The following is an entry in ClinVar:

ClinVar aggregate classification (germline): Uncertain significance. Review status: criteria provided, multiple submitters, no conflicts (2 of 4 stars). 2 submissions from 2 submitters: Uncertain significance (2). Last evaluated 2026-07-31.

Allele frequency attached by ClinVar (database versions not stated): TOPMed 0.00001; gnomAD exomes below 0.00001; gnomAD 0.00001.
gnomAD v4.1: 3 of 1,611,400 alleles (0.00019%); highest among the groups gnomAD compares: Non-Finnish European, 0.00017%; no homozygotes.

Submissions (2):

Ambry Genetics
Classification: Uncertain significance. Last evaluated: 2026-07-31. Review status: criteria provided, single submitter. Criteria: Ambry Variant Classification Scheme 2023. Collection method: clinical testing. Allele origin: germline.
Comment: The p.Q752* variant (also known as c.2254C>T), located in coding exon 15 of the RINT1 gene, results from a C to T substitution at nucleotide position 2254. This changes the amino acid from a glutamine to a stop codon within coding exon 15. This variant occurs at the 3' terminus of the gene and is not expected to trigger nonsense-mediated mRNA decay. The evidence for this gene-disease relationship is limited; therefore, the clinical significance of this variant is unclear.

Labcorp Genetics (formerly Invitae), Labcorp
Classification: Uncertain significance. Last evaluated: 2022-12-31. Review status: criteria provided, single submitter. Criteria: Invitae Variant Classification Sherloc (09022015). Collection method: clinical testing. Allele origin: germline.
Comment: In summary, the available evidence is currently insufficient to determine the role of this variant in disease. Therefore, it has been classified as a Variant of Uncertain Significance. Experimental studies and prediction algorithms are not available or were not evaluated, and the functional significance of this variant is currently unknown. ClinVar contains an entry for this variant (Variation ID: 1045667). This variant has not been reported in the literature in individuals affected with RINT1-related conditions. This variant is not present in population databases (gnomAD no frequency). This sequence change creates a premature translational stop signal (p.Gln752*) in the RINT1 gene. While this is not anticipated to result in nonsense mediated decay, it is expected to disrupt the last 41 amino acid(s) of the RINT1 protein.

Literature cited by the submitters: PubMed 31173646 (cited by Ambry Genetics).

NM_021930.6(RINT1):c.2254C>T (p.Gln752Ter)

Genes: EFCAB10 (EF-hand calcium binding domain 10; minus strand), RINT1 (RAD50 interactor 1; plus strand). Cytogenetic location: 7q22.3.
Variant type: single nucleotide variant.
Coding change: c.2254C>T on transcript NM_021930.6 (MANE Select); coding-DNA position 2254, C replaced by T.
Protein change: p.Gln752Ter; replaces glutamine 752 with a stop codon.
Molecular consequence: nonsense. On other transcripts: 3 prime UTR variant (2), non-coding transcript variant (1), intron variant (3).
Genome position (GRCh38, 1-based): chr7:105,567,186, C>T. VCF-style: chr7-105567186-C-T. GRCh37 (hg19) VCF-style: chr7-105207633-C-T.
Other names: c.*268G>A (NM_001355527.2, NM_001355529.2); c.2020C>T, p.Gln674Ter (NM_001346599.2); c.1231C>T, p.Gln411Ter (NM_001346600.2, NM_001346603.2); c.1330C>T, p.Gln444Ter (NM_001346601.2); c.360-1739G>A (NM_001355531.2); c.383+281G>A (NM_001355526.2, NM_001355530.2); short protein forms Q411*, Q444*, Q674*, Q752*.
Identifiers: ClinVar variation 1045667 (VCV001045667.14), dbSNP rs1294898146, ClinGen allele CA368815490.
Genomic context (GRCh38, chr7:105,567,186, plus strand): 5'-GAAGCCTGTATTGTTTTGAATTTGAACGTCGGTTCTGCACTACTGCTGAAAGATGTACTG[C>T]AGTCAGCTTCAGGGCAGCTTCCTGCCACAGCAGCATTAAATGAAGTTGGAATTTACAAAC-3'